The following is an entry in ClinVar:

NM_001042492.3(NF1):c.7519A>G (p.Thr2507Ala)

Gene: NF1 (neurofibromin 1; plus strand). Cytogenetic location: 17q11.2.
Variant type: single nucleotide variant.
Coding change: c.7519A>G on transcript NM_001042492.3 (MANE Select); coding-DNA position 7519, A replaced by G.
Protein change: p.Thr2507Ala; replaces threonine 2507 with alanine.
Molecular consequence: missense variant.
Genome position (GRCh38, 1-based): chr17:31,352,318, A>G. VCF-style: chr17-31352318-A-G. GRCh37 (hg19) VCF-style: chr17-29679336-A-G.
Other names: c.7456A>G, p.Thr2486Ala (NM_000267.4); short protein forms T2486A, T2507A.
Identifiers: ClinVar variation 1397411 (VCV001397411.10), dbSNP rs1597862129, ClinGen allele CA399017566.

ClinVar aggregate classification (germline): Uncertain significance. Review status: criteria provided, multiple submitters, no conflicts (2 of 4 stars). 3 submissions from 3 submitters: Uncertain significance (3). Last evaluated 2024-05-04.

Conditions:
Neurofibromatosis, type 1 (NF1). Also called: VON RECKLINGHAUSEN DISEASE; Neurofibromatosis, type I; NEUROFIBROMATOSIS, TYPE I, SOMATIC; Peripheral type neurofibromatosis. Identifiers: Orphanet 636, MedGen C0027831, MONDO:0018975, OMIM 162200. Disease mechanism: loss of function.
Neurofibromatosis, familial spinal (FSNF). Identifiers: Orphanet 636, MedGen C1834235, MONDO:0008078, OMIM 162210. Disease mechanism: loss of function.
Juvenile myelomonocytic leukemia (JMML). Also called: LEUKEMIA, JUVENILE MYELOMONOCYTIC, SOMATIC. Identifiers: Orphanet 86834, MedGen C0349639, MONDO:0011908, OMIM 607785, HP:0012209.
Neurofibromatosis-Noonan syndrome (NFNS). Also called: NEUROFIBROMATOSIS WITH NOONAN PHENOTYPE. Identifiers: Orphanet 638, MedGen C2931482, MONDO:0011035, OMIM 601321. Disease mechanism: loss of function.
Café-au-lait macules with pulmonary stenosis (WTSN). Also called: PULMONIC STENOSIS WITH CAFE-AU-LAIT SPOTS. Identifiers: MedGen C0553586, MONDO:0008672, OMIM 193520.

Submissions (3):

Fulgent Genetics
Classification: Uncertain significance for Neurofibromatosis, type 1; Neurofibromatosis, familial spinal; Café-au-lait macules with pulmonary stenosis; Neurofibromatosis-Noonan syndrome; Juvenile myelomonocytic leukemia. Last evaluated: 2024-05-04. Review status: criteria provided, single submitter. Criteria: ACMG Guidelines, 2015. Collection method: clinical testing. Allele origin: germline.

Quest Diagnostics Nichols Institute San Juan Capistrano
Classification: Uncertain significance. Last evaluated: 2023-11-07. Review status: criteria provided, single submitter. Criteria: Quest Diagnostics criteria. Collection method: clinical testing. Allele origin: unknown.

Labcorp Genetics (formerly Invitae), Labcorp
Classification: Uncertain significance for Neurofibromatosis, type 1. Last evaluated: 2023-09-11. Review status: criteria provided, single submitter. Criteria: Invitae Variant Classification Sherloc (09022015). Collection method: clinical testing. Allele origin: germline.
Comment: In summary, the available evidence is currently insufficient to determine the role of this variant in disease. Therefore, it has been classified as a Variant of Uncertain Significance. Advanced modeling of protein sequence and biophysical properties (such as structural, functional, and spatial information, amino acid conservation, physicochemical variation, residue mobility, and thermodynamic stability) performed at Invitae indicates that this missense variant is not expected to disrupt NF1 protein function. ClinVar contains an entry for this variant (Variation ID: 1397411). This variant has not been reported in the literature in individuals affected with NF1-related conditions. This variant is not present in population databases (gnomAD no frequency). This sequence change replaces threonine, which is neutral and polar, with alanine, which is neutral and non-polar, at codon 2486 of the NF1 protein (p.Thr2486Ala).